The following is an entry in ClinVar:

ClinVar aggregate classification (germline): Uncertain significance (1 of 4 stars; one submission).

gnomAD v4.1: 13 of 1,613,978 alleles (0.00081%); highest among the groups gnomAD compares: Middle Eastern, 0.016%; no homozygotes.

Submission:

Mayo Clinic Laboratories, Mayo Clinic
Classification: Uncertain significance. Last evaluated: 2024-07-23. Review status: criteria provided, single submitter. Criteria: ACMG Guidelines, 2015. Collection method: clinical testing. Allele origin: germline. Observed: 1 variant allele.
Comment: BP4

NM_014687.4(RUBCN):c.1367G>A (p.Arg456Gln)

Gene: RUBCN (rubicon autophagy regulator; minus strand). Cytogenetic location: 3q29.
Variant type: single nucleotide variant.
Coding change: c.1367G>A on transcript NM_014687.4 (MANE Select); coding-DNA position 1367, G replaced by A.
Protein change: p.Arg456Gln; replaces arginine 456 with glutamine.
Molecular consequence: missense variant.
Genome position (GRCh38, 1-based): chr3:197,695,972, C>T on the plus strand (G>A on the coding strand, the complement: RUBCN is on the minus strand). VCF-style: chr3-197695972-C-T. GRCh37 (hg19) VCF-style: chr3-197422843-C-T.
Other names: p.Arg411Gln; c.1232G>A, p.Arg411Gln (NM_001145642.5); c.1409G>A, p.Arg470Gln (NM_001346873.2); short protein forms R411Q, R456Q, R470Q.
Identifiers: ClinVar variation 3379530 (VCV003379530.1).